The following is an entry in ClinVar:

ClinVar aggregate classification (germline): Conflicting classifications of pathogenicity. Review status: criteria provided, conflicting classifications (1 of 4 stars). 3 submissions from 3 submitters: Uncertain significance (2); Likely benign (1). Last evaluated 2025-01-09.

Conditions:
Hereditary cancer-predisposing syndrome. Also called: Hereditary neoplastic syndrome; Tumor predisposition; Neoplastic Syndromes, Hereditary; Hereditary Cancer Syndrome. Identifiers: Orphanet 140162, MedGen C0027672, MeSH D009386, MONDO:0015356.
Hereditary breast ovarian cancer syndrome. Also called: Hereditary breast and ovarian cancer; Hereditary breast and/or ovarian cancer syndrome; Breast and ovarian cancer; BRCA1- and BRCA2-Associated Hereditary Breast and Ovarian Cancer; Hereditary breast and ovarian cancer syndrome; Hereditary breast and ovarian cancer syndrome (HBOC). Identifiers: Orphanet 145, MedGen C0677776, MeSH D061325, MONDO:0003582. Disease mechanism: loss of function.

Submissions (3):

Women's Health and Genetics/Laboratory Corporation of America, LabCorp
Classification: Uncertain significance. Last evaluated: 2025-01-09. Review status: criteria provided, single submitter. Criteria: LabCorp Variant Classification Summary - May 2015. Collection method: clinical testing. Allele origin: germline.

University of Washington Department of Laboratory Medicine, University of Washington
Classification: Likely benign for Hereditary cancer-predisposing syndrome. Last evaluated: 2023-03-23. Review status: criteria provided, single submitter. Criteria: Dines et al. (Genet Med. 2020). Collection method: curation. Allele origin: germline.
Comment: Missense variant in a coldspot region where missense variants are very unlikely to be pathogenic (PMID:31911673).

BRCA2 exon 11 coldspot. Reclassification based on statistical prior probability.

Labcorp Genetics (formerly Invitae), Labcorp
Classification: Uncertain significance for Hereditary breast ovarian cancer syndrome. Last evaluated: 2022-01-07. Review status: criteria provided, single submitter. Criteria: Invitae Variant Classification Sherloc (09022015). Collection method: clinical testing. Allele origin: germline.
Comment: In summary, the available evidence is currently insufficient to determine the role of this variant in disease. Therefore, it has been classified as a Variant of Uncertain Significance. Advanced modeling of protein sequence and biophysical properties (such as structural, functional, and spatial information, amino acid conservation, physicochemical variation, residue mobility, and thermodynamic stability) performed at Invitae indicates that this missense variant is not expected to disrupt BRCA2 protein function. This variant has not been reported in the literature in individuals affected with BRCA2-related conditions. This variant is not present in population databases (gnomAD no frequency). This sequence change replaces phenylalanine, which is neutral and non-polar, with leucine, which is neutral and non-polar, at codon 1127 of the BRCA2 protein (p.Phe1127Leu).

NM_000059.4(BRCA2):c.3381T>G (p.Phe1127Leu)

Gene: BRCA2 (BRCA2 DNA repair associated; plus strand). Cytogenetic location: 13q13.1.
Variant type: single nucleotide variant.
Coding change: c.3381T>G on transcript NM_000059.4 (MANE Select); coding-DNA position 3381, T replaced by G.
Protein change: p.Phe1127Leu; replaces phenylalanine 1127 with leucine.
Molecular consequence: missense variant.
Genome position (GRCh38, 1-based): chr13:32,337,736, T>G. VCF-style: chr13-32337736-T-G. GRCh37 (hg19) VCF-style: chr13-32911873-T-G.
Other names: short protein forms F1127L.
Identifiers: ClinVar variation 1348794 (VCV001348794.11), dbSNP rs1057522933, ClinGen allele CA387776429.